The following is an entry in ClinVar:

NM_020738.4(KIDINS220):c.4363G>T (p.Gly1455Ter)

Gene: KIDINS220 (kinase D interacting substrate 220; minus strand). Cytogenetic location: 2p25.1.
Variant type: single nucleotide variant.
Coding change: c.4363G>T on transcript NM_020738.4 (MANE Select); coding-DNA position 4363, G replaced by T.
Protein change: p.Gly1455Ter; replaces glycine 1455 with a stop codon.
Molecular consequence: nonsense. On other transcripts: intron variant (6).
Genome position (GRCh38, 1-based): chr2:8,731,673, C>A on the plus strand (G>T on the coding strand, the complement: KIDINS220 is on the minus strand). VCF-style: chr2-8731673-C-A. GRCh37 (hg19) VCF-style: chr2-8871803-C-A.
Other names: c.4366G>T, p.Gly1456Ter (NM_001348729.2); c.4309G>T, p.Gly1437Ter (NM_001348731.2); c.4306G>T, p.Gly1436Ter (NM_001348732.2); c.4195G>T, p.Gly1399Ter (NM_001348734.2); c.4192G>T, p.Gly1398Ter (NM_001348735.2); c.4066G>T, p.Gly1356Ter (NM_001348736.2); c.3882+1771G>T (NM_001348741.2, NM_001348742.2, NM_001348743.2); c.3996+1771G>T (NM_001348738.2); and 1 more; short protein forms G1456*, G1455*, G1356*, G1398*, G1399*, G1436*, G1437*.
Identifiers: ClinVar variation 2860984 (VCV002860984.3), dbSNP rs752256612, ClinGen allele CA345764935.
Genomic context (GRCh38, chr2:8,731,673, plus strand): 5'-GATCCAGGGGGGAAGCATCGTTGGTGGAAACCCCTGATGATGAATAATCGATAACATCTC[C>A]CCTCTTCATTAGAAAGGACTTCCTCCCATCATCGGGCTTTGGTTCACTATCCTTCCCCTT-3'

ClinVar aggregate classification (germline): Uncertain significance (1 of 4 stars; one submission).

Submission:

Labcorp Genetics (formerly Invitae), Labcorp
Classification: Uncertain significance. Last evaluated: 2023-05-01. Review status: criteria provided, single submitter. Criteria: Invitae Variant Classification Sherloc (09022015). Collection method: clinical testing. Allele origin: germline.
Comment: This variant is not present in population databases (gnomAD no frequency). In summary, the available evidence is currently insufficient to determine the role of this variant in disease. Therefore, it has been classified as a Variant of Uncertain Significance. Experimental studies and prediction algorithms are not available or were not evaluated, and the functional significance of this variant is currently unknown. This variant has not been reported in the literature in individuals affected with KIDINS220-related conditions. This sequence change creates a premature translational stop signal (p.Gly1455*) in the KIDINS220 gene. While this is not anticipated to result in nonsense mediated decay, it is expected to disrupt the last 317 amino acid(s) of the KIDINS220 protein.